The following is an entry in ClinVar:

NM_014516.4(CNOT3):c.169C>T (p.Arg57Trp)

Gene: CNOT3 (CCR4-NOT transcription complex subunit 3; plus strand). Cytogenetic location: 19q13.42.
Variant type: single nucleotide variant.
Coding change: c.169C>T on transcript NM_014516.4 (MANE Select); coding-DNA position 169, C replaced by T.
Protein change: p.Arg57Trp; replaces arginine 57 with tryptophan.
Molecular consequence: missense variant.
Genome position (GRCh38, 1-based): chr19:54,143,660, C>T. VCF-style: chr19-54143660-C-T. GRCh37 (hg19) VCF-style: chr19-54647396-C-T.
Other names: short protein forms R57W.
Identifiers: ClinVar variation 972977 (VCV000972977.3), dbSNP rs2074547544, ClinGen allele CA407758781.
Genomic context (GRCh38, chr19:54,143,660, plus strand): 5'-AGCTGTGGGCCCCAGTTCCTGGGTCCTGAGGTCTGACTTTCTTGCTTTTCCCATCTGCAG[C>T]GGCTGAGGGACCAAATCAAGACATGGGTAGCGTCCAACGAGATCAAGGACAAGAGGCAGC-3'
Protein context (NP_055331.1, residues 47-67): DLKKEIKKLQ[Arg57Trp]LRDQIKTWVA

ClinVar aggregate classification (germline): Pathogenic (1 of 4 stars; one submission).

Conditions:
Intellectual developmental disorder with speech delay, autism, and dysmorphic facies. Identifiers: MedGen C5231456, MONDO:0032864, OMIM 618672.

Submission:

Laboratory of Medical Genetics, National & Kapodistrian University of Athens
Classification: Pathogenic for Intellectual developmental disorder with speech delay, autism, and dysmorphic facies. Last evaluated: 2022-06-08. Review status: criteria provided, single submitter. Criteria: ACMG Guidelines, 2015. Collection method: clinical testing. Allele origin: de novo. Affected: yes.
Comment: PS2, PM2, PP2, PP3